The following is an entry in ClinVar:

ClinVar aggregate classification (germline): Uncertain significance. Review status: criteria provided, multiple submitters, no conflicts (2 of 4 stars). 2 submissions from 2 submitters: Uncertain significance (2). Last evaluated 2025-02-03.

Conditions:
Autosomal recessive limb-girdle muscular dystrophy type 2J (LGMDR10). Also called: MUSCULAR DYSTROPHY, LIMB-GIRDLE, AUTOSOMAL RECESSIVE 10; Limb-girdle muscular dystrophy, type 2J. Identifiers: Orphanet 140922, MedGen C1837342, MONDO:0012127, OMIM 608807.
Dilated cardiomyopathy 1G (CMD1G). Identifiers: Orphanet 154, MedGen C1858763, MONDO:0011400, OMIM 604145.

gnomAD v4.1: 2 of 1,613,902 alleles (0.00012%); highest among the groups gnomAD compares: South Asian, 0.0022%; no homozygotes.

Submissions (2):

Labcorp Genetics (formerly Invitae), Labcorp
Classification: Uncertain significance for Dilated cardiomyopathy 1G; Autosomal recessive limb-girdle muscular dystrophy type 2J. Last evaluated: 2025-02-03. Review status: criteria provided, single submitter. Criteria: Invitae Variant Classification Sherloc (09022015). Collection method: clinical testing. Allele origin: germline.
Comment: This sequence change replaces threonine, which is neutral and polar, with isoleucine, which is neutral and non-polar, at codon 33780 of the TTN protein (p.Thr33780Ile). This variant is not present in population databases (gnomAD no frequency). This variant has not been reported in the literature in individuals affected with TTN-related conditions. ClinVar contains an entry for this variant (Variation ID: 1059259). Experimental studies and prediction algorithms are not available or were not evaluated, and the functional significance of this variant is currently unknown. This variant is located in the M band of TTN (PMID: 25589632). Non-truncating variants in this region may be relevant for neuromuscular disorders, but have not been definitively shown to cause cardiomyopathy (PMID: 23975875). In summary, the available evidence is currently insufficient to determine the role of this variant in disease. Therefore, it has been classified as a Variant of Uncertain Significance.

Breakthrough Genomics
Classification: Uncertain significance. Review status: criteria provided, single submitter. Criteria: ACMG Guidelines, 2015. Collection method: not provided. Allele origin: germline. Inheritance: Autosomal recessive inheritance. Affected: yes.

Literature cited by the submitters: PubMed 25589632 (cited by Labcorp Genetics (formerly Invitae), Labcorp); PubMed 23975875 (cited by Labcorp Genetics (formerly Invitae), Labcorp).

NM_001267550.2(TTN):c.101339C>T (p.Thr33780Ile)

Genes: TTN (titin; minus strand), TTN-AS1 (TTN antisense RNA 1; plus strand). Cytogenetic location: 2q31.2.
Variant type: single nucleotide variant.
Coding change: c.101339C>T on transcript NM_001267550.2 (MANE Select); coding-DNA position 101339, C replaced by T.
Protein change: p.Thr33780Ile; replaces threonine 33780 with isoleucine.
Molecular consequence: missense variant.
Genome position (GRCh38, 1-based): chr2:178,535,276, G>A on the plus strand (C>T on the coding strand, the complement: TTN is on the minus strand). VCF-style: chr2-178535276-G-A. GRCh37 (hg19) VCF-style: chr2-179400003-G-A.
Other names: c.96416C>T, p.Thr32139Ile (NM_001256850.1); c.74144C>T, p.Thr24715Ile (NM_003319.4); c.93635C>T, p.Thr31212Ile (NM_133378.4); c.74519C>T, p.Thr24840Ile (NM_133432.3); c.74720C>T, p.Thr24907Ile (NM_133437.4); short protein forms T24715I, T24840I, T24907I, T31212I, T32139I, T33780I.
Identifiers: ClinVar variation 1059259 (VCV001059259.8), dbSNP rs2154136558, ClinGen allele CA349420930.